The following is an entry in ClinVar:

ClinVar aggregate classification (germline): Uncertain significance (1 of 4 stars; one submission).

Conditions:
Hereditary cancer-predisposing syndrome. Also called: Neoplastic Syndromes, Hereditary; Tumor predisposition; Hereditary neoplastic syndrome; Hereditary Cancer Syndrome. Identifiers: Orphanet 140162, MedGen C0027672, MeSH D009386, MONDO:0015356.

Submission:

Ambry Genetics
Classification: Uncertain significance for Hereditary cancer-predisposing syndrome. Last evaluated: 2026-07-06. Review status: criteria provided, single submitter. Criteria: Ambry Variant Classification Scheme 2023. Collection method: clinical testing. Allele origin: germline.
Comment: The p.S120F variant (also known as c.359C>T), located in coding exon 5 of the SDHC gene, results from a C to T substitution at nucleotide position 359. The serine at codon 120 is replaced by phenylalanine, an amino acid with highly dissimilar properties. This amino acid position is conserved. In addition, the in silico prediction for this alteration is inconclusive. Based on the available evidence, the clinical significance of this variant remains unclear.

NM_003001.5(SDHC):c.*13C>T

Gene: SDHC (succinate dehydrogenase complex subunit C; plus strand). Cytogenetic location: 1q23.3.
Variant type: single nucleotide variant.
Coding change: c.*13C>T on transcript NM_003001.5 (MANE Select); 13 bases downstream of the stop codon, C replaced by T.
Molecular consequence: 3 prime UTR variant. On other transcripts: missense variant (3), non-coding transcript variant (1).
Genome position (GRCh38, 1-based): chr1:161,362,446, C>T. VCF-style: chr1-161362446-C-T. GRCh37 (hg19) VCF-style: chr1-161332236-C-T.
Other names: c.359C>T, p.Ser120Phe (NM_001035511.3); c.*13C>T (NM_001035512.3, NM_001035513.3, NM_001407115.1 and 5 more transcripts); c.257C>T, p.Ser86Phe (NM_001278172.3); c.302C>T, p.Ser101Phe (NM_001407121.1); short protein forms S120F, S101F, S86F.
Identifiers: ClinVar variation 5029336 (VCV005029336.1).